The following is an entry in ClinVar:

ClinVar aggregate classification (germline): Uncertain significance. Review status: criteria provided, multiple submitters, no conflicts (2 of 4 stars). 3 submissions from 3 submitters: Uncertain significance (3). Last evaluated 2023-12-12.

Conditions:
Inborn genetic diseases. Identifiers: MedGen C0950123, MeSH D030342.

gnomAD v4.1: 37 of 1,614,056 alleles (0.0023%); highest among the groups gnomAD compares: East Asian, 0.065%; no homozygotes.

Submissions (3):

Ambry Genetics
Classification: Uncertain significance for Inborn genetic diseases. Last evaluated: 2023-12-12. Review status: criteria provided, single submitter. Criteria: Ambry Variant Classification Scheme 2023. Collection method: clinical testing. Allele origin: germline.

Labcorp Genetics (formerly Invitae), Labcorp
Classification: Uncertain significance. Last evaluated: 2021-08-17. Review status: criteria provided, single submitter. Criteria: Invitae Variant Classification Sherloc (09022015). Collection method: clinical testing. Allele origin: germline.
Comment: This sequence change replaces valine with phenylalanine at codon 591 of the HSPG2 protein (p.Val591Phe). The valine residue is weakly conserved and there is a small physicochemical difference between valine and phenylalanine. This variant is present in population databases (rs375066928, ExAC 0.09%). This variant has not been reported in the literature in individuals affected with HSPG2-related conditions. Algorithms developed to predict the effect of missense changes on protein structure and function (SIFT, PolyPhen-2, Align-GVGD) all suggest that this variant is likely to be tolerated. In summary, the available evidence is currently insufficient to determine the role of this variant in disease. Therefore, it has been classified as a Variant of Uncertain Significance.

Revvity Omics, Revvity
Classification: Uncertain significance. Last evaluated: 2019-05-29. Review status: criteria provided, single submitter. Criteria: ACMG Guidelines, 2015. Collection method: clinical testing. Allele origin: germline.

NM_005529.7(HSPG2):c.1771G>T (p.Val591Phe)

Gene: HSPG2 (heparan sulfate proteoglycan 2; minus strand). Cytogenetic location: 1p36.12.
Variant type: single nucleotide variant.
Coding change: c.1771G>T on transcript NM_005529.7 (MANE Select); coding-DNA position 1771, G replaced by T.
Protein change: p.Val591Phe; replaces valine 591 with phenylalanine.
Molecular consequence: missense variant.
Genome position (GRCh38, 1-based): chr1:21,881,386, C>A on the plus strand (G>T on the coding strand, the complement: HSPG2 is on the minus strand). VCF-style: chr1-21881386-C-A. GRCh37 (hg19) VCF-style: chr1-22207879-C-A.
Other names: c.1774G>T, p.Val592Phe (NM_001291860.2); c.1771G>T (NM_005529.5); short protein forms V592F, V591F.
Identifiers: ClinVar variation 1416169 (VCV001416169.6), dbSNP rs375066928, ClinGen allele CA673307.